The following is an entry in ClinVar:

NM_024675.4(PALB2):c.421del (p.Gln141fs)

Gene: PALB2 (partner and localizer of BRCA2; minus strand). Cytogenetic location: 16p12.2.
Variant type: Deletion.
Coding change: c.421del on transcript NM_024675.4 (MANE Select); coding-DNA position 421, one base deleted (C; older notation c.421delC).
Protein change: p.Gln141fs; shifts the reading frame from glutamine 141.
Molecular consequence: frameshift variant. On other transcripts: 5 prime UTR variant (8), intron variant (3).
Genome position (GRCh38, 1-based): chr16:23,636,125, G deleted on the plus strand (C on the coding strand, the reverse complement: PALB2 is on the minus strand). VCF-style (leftmost placement, unchanged base first): chr16-23636124-TG-T. GRCh37 (hg19) VCF-style: chr16-23647445-TG-T.
Other names: c.361del, p.Gln121fs (NM_001407296.1); c.421del, p.Gln141fs (NM_001407297.1, NM_001407298.1, NM_001407299.1 and 3 more transcripts); c.-465del (NM_001407304.1, NM_001407305.1, NM_001407306.1 and 5 more transcripts); c.48+4985del (NM_001407314.1); c.-105+4985del (NM_001407313.1, NM_001407312.1); short protein forms Q121fs, Q141fs.
Identifiers: ClinVar variation 2674085 (VCV002674085.2), dbSNP rs2506513116, ClinGen allele CA2695197553.

ClinVar aggregate classification (germline): Pathogenic. Review status: criteria provided, multiple submitters, no conflicts (2 of 4 stars). 2 submissions from 2 submitters: Pathogenic (2). Last evaluated 2024-02-23.

Conditions:
Hereditary cancer-predisposing syndrome. Also called: Tumor predisposition; Hereditary neoplastic syndrome; Neoplastic Syndromes, Hereditary; Hereditary Cancer Syndrome. Identifiers: Orphanet 140162, MedGen C0027672, MeSH D009386, MONDO:0015356.
Familial cancer of breast. Also called: Hereditary breast cancer; BREAST CANCER, FAMILIAL; hereditary breast carcinoma. Identifiers: Orphanet 227535, MedGen C0346153, MONDO:0016419, OMIM 114480. Disease mechanism: loss of function.

Submissions (2):

Ambry Genetics
Classification: Pathogenic for Hereditary cancer-predisposing syndrome. Last evaluated: 2024-02-23. Review status: criteria provided, single submitter. Criteria: Ambry Variant Classification Scheme 2023. Collection method: clinical testing. Allele origin: germline.
Comment: The c.421delC pathogenic mutation, located in coding exon 4 of the PALB2 gene, results from a deletion of one nucleotide at nucleotide position 421, causing a translational frameshift with a predicted alternate stop codon (p.Q141Rfs*36). This variant is considered to be rare based on population cohorts in the Genome Aggregation Database (gnomAD). This alteration is expected to result in loss of function by premature protein truncation or nonsense-mediated mRNA decay. As such, this alteration is interpreted as a disease-causing mutation.

Myriad Genetics, Inc.
Classification: Pathogenic for Familial cancer of breast. Last evaluated: 2023-09-06. Review status: criteria provided, single submitter. Criteria: Myriad Autosomal Dominant, Autosomal Recessive and X-Linked Classification Criteria (2023). Collection method: clinical testing. Allele origin: unknown.
Comment: This variant is considered pathogenic. This variant creates a frameshift predicted to result in premature protein truncation.